The following is an entry in ClinVar:

NM_032977.4(CASP10):c.419A>C (p.Asp140Ala)

Gene: CASP10 (caspase 10; plus strand). Cytogenetic location: 2q33.1.
Variant type: single nucleotide variant.
Coding change: c.419A>C on transcript NM_032977.4 (MANE Select); coding-DNA position 419, A replaced by C.
Protein change: p.Asp140Ala; replaces aspartic acid 140 with alanine.
Molecular consequence: missense variant.
Genome position (GRCh38, 1-based): chr2:201,187,777, A>C. VCF-style: chr2-201187777-A-C. GRCh37 (hg19) VCF-style: chr2-202052500-A-C.
Other names: c.419A>C, p.Asp140Ala (NM_001206524.2, NM_001206542.2, NM_001230.5 and 3 more transcripts); short protein forms D140A.
Identifiers: ClinVar variation 2103603 (VCV002103603.4), dbSNP rs750569928, ClinGen allele CA2052856.

ClinVar aggregate classification (germline): Uncertain significance (1 of 4 stars; one submission).

Conditions:
Autoimmune lymphoproliferative syndrome type 2A (ALPS2A). Also called: Autoimmune lymphoproliferative syndrome type 2; CASP10-Related Autoimmune Lymphoproliferative Syndrome; AUTOIMMUNE LYMPHOPROLIFERATIVE SYNDROME, TYPE IIA. Identifiers: Orphanet 3261, MedGen C1858968, MONDO:0011383, OMIM 603909.

gnomAD v4.1: 2 of 1,613,896 alleles (0.00012%); highest among the groups gnomAD compares: African/African-American, 0.0013%; no homozygotes.

Submission:

Labcorp Genetics (formerly Invitae), Labcorp
Classification: Uncertain significance for Autoimmune lymphoproliferative syndrome type 2A. Last evaluated: 2022-02-25. Review status: criteria provided, single submitter. Criteria: Invitae Variant Classification Sherloc (09022015). Collection method: clinical testing. Allele origin: germline.
Comment: This variant is present in population databases (rs750569928, gnomAD 0.004%). This sequence change replaces aspartic acid, which is acidic and polar, with alanine, which is neutral and non-polar, at codon 140 of the CASP10 protein (p.Asp140Ala). This variant has not been reported in the literature in individuals affected with CASP10-related conditions. Algorithms developed to predict the effect of missense changes on protein structure and function (SIFT, PolyPhen-2, Align-GVGD) all suggest that this variant is likely to be tolerated. In summary, the available evidence is currently insufficient to determine the role of this variant in disease. Therefore, it has been classified as a Variant of Uncertain Significance.